The following is an entry in ClinVar:

ClinVar aggregate classification (germline): Pathogenic (1 of 4 stars; one submission).

Conditions:
Tuberous sclerosis 2 (TSC2). Identifiers: Orphanet 805, MedGen C1860707, MONDO:0013199, OMIM 613254.

Submission:

Labcorp Genetics (formerly Invitae), Labcorp
Classification: Pathogenic for Tuberous sclerosis 2. Last evaluated: 2023-08-25. Review status: criteria provided, single submitter. Criteria: Invitae Variant Classification Sherloc (09022015). Collection method: clinical testing. Allele origin: unknown.
Comment: For these reasons, this variant has been classified as Pathogenic. This variant has not been reported in the literature in individuals affected with TSC2-related conditions. This variant is a gross deletion of the genomic region encompassing exon(s) 1-3 of the TSC2 gene, which includes the initiator codon. This deletion extends beyond the assayed region for this gene and therefore may encompass additional genes. It is expected to result in an absent or disrupted protein product. Loss-of-function variants in TSC2 are known to be pathogenic (PMID: 10205261, 17304050).

Literature cited by the submitters: PubMed 10205261; PubMed 17304050.

NC_000016.9:g.(?_2089925)_(2100497_?)del

Genes: NTHL1 (nth like DNA glycosylase 1; minus strand), TSC2 (TSC complex subunit 2; plus strand). Cytogenetic location: 16p13.3.
Variant type: Deletion.
Identifiers: ClinVar variation 3243446 (VCV003243446.1).